The following is an entry in ClinVar:

ClinVar aggregate classification (germline): Pathogenic (1 of 4 stars; one submission).

Submission:

Labcorp Genetics (formerly Invitae), Labcorp
Classification: Pathogenic. Last evaluated: 2022-09-10. Review status: criteria provided, single submitter. Criteria: Invitae Variant Classification Sherloc (09022015). Collection method: clinical testing. Allele origin: germline.
Comment: For these reasons, this variant has been classified as Pathogenic. Algorithms developed to predict the effect of sequence changes on RNA splicing suggest that this variant may create or strengthen a splice site. This sequence change creates a premature translational stop signal (p.Gln427*) in the SLC4A11 gene. It is expected to result in an absent or disrupted protein product. Loss-of-function variants in SLC4A11 are known to be pathogenic (PMID: 17220209, 17679935). This variant is not present in population databases (gnomAD no frequency). This variant has not been reported in the literature in individuals affected with SLC4A11-related conditions.

Literature cited by the submitters: PubMed 17220209; PubMed 17679935.

NM_001174089.2(SLC4A11):c.1231C>T (p.Gln411Ter)

Gene: SLC4A11 (solute carrier family 4 member 11; minus strand). Cytogenetic location: 20p13.
Variant type: single nucleotide variant.
Coding change: c.1231C>T on transcript NM_001174089.2 (MANE Select); coding-DNA position 1231, C replaced by T.
Protein change: p.Gln411Ter; replaces glutamine 411 with a stop codon.
Molecular consequence: nonsense. On other transcripts: non-coding transcript variant (3), intron variant (2).
Genome position (GRCh38, 1-based): chr20:3,230,783, G>A on the plus strand (C>T on the coding strand, the complement: SLC4A11 is on the minus strand). VCF-style: chr20-3230783-G-A. GRCh37 (hg19) VCF-style: chr20-3211429-G-A.
Other names: c.1360C>T, p.Gln454Ter (NM_001174090.2); c.1174C>T, p.Gln392Ter (NM_001400277.1, NM_001400278.1, NM_001400279.1); c.1279C>T, p.Gln427Ter (NM_032034.4); c.1169-136C>T (NM_001363745.2); c.1298-136C>T (NM_001400280.1); short protein forms Q427*, Q392*, Q454*, Q411*.
Identifiers: ClinVar variation 2029882 (VCV002029882.4), dbSNP rs2514555104, ClinGen allele CA408088937.
Genomic context (GRCh38, chr20:3,230,783, plus strand): 5'-CCACTGCACCCTGGATGTAGAGCGCCAGGGGCGCGGTGGTCAGCAGAATCACCAATGGCT[G>A]CCCAGAGAAGAGCGCGTAGAGCAGGCCCCCGATGCTCTGCCCGGCTATGGTCTTCTGCAC-3'